The following is an entry in ClinVar:

NM_000548.5(TSC2):c.278G>A (p.Arg93Gln)

Gene: TSC2 (TSC complex subunit 2; plus strand). Cytogenetic location: 16p13.3.
Variant type: single nucleotide variant.
Coding change: c.278G>A on transcript NM_000548.5 (MANE Select); coding-DNA position 278, G replaced by A.
Protein change: p.Arg93Gln; replaces arginine 93 with glutamine.
Molecular consequence: missense variant. On other transcripts: intron variant (2).
Genome position (GRCh38, 1-based): chr16:2,053,394, G>A. VCF-style: chr16-2053394-G-A. GRCh37 (hg19) VCF-style: chr16-2103395-G-A.
Other names: c.278G>A, p.Arg93Gln (NM_001077183.3, NM_001114382.3, NM_001363528.2 and 3 more transcripts); c.131G>A, p.Arg44Gln (NM_001318829.2); c.311G>A, p.Arg104Gln (NM_001318832.2); c.226-902G>A (NM_001318827.2); c.-1-2802G>A (NM_001318831.2); short protein forms R93Q, R44Q, R104Q.
Identifiers: ClinVar variation 467970 (VCV000467970.24), dbSNP rs1222477746, ClinGen allele CA394305714.

ClinVar aggregate classification (germline): Conflicting classifications of pathogenicity. Review status: criteria provided, conflicting classifications (1 of 4 stars). 7 submissions from 7 submitters: Uncertain significance (6); Benign (1). Last evaluated 2026-09-10.

Conditions:
Hereditary cancer-predisposing syndrome. Also called: Neoplastic Syndromes, Hereditary; Hereditary neoplastic syndrome; Hereditary Cancer Syndrome; Tumor predisposition. Identifiers: Orphanet 140162, MedGen C0027672, MeSH D009386, MONDO:0015356.
Isolated focal cortical dysplasia type II (FCORD2). Also called: CORTICAL DYSPLASIA OF TAYLOR; Focal cortical dysplasia type II. Identifiers: Orphanet 268994, MedGen C1846385, MONDO:0011818, OMIM 607341, HP:0032051.
Tuberous sclerosis 2 (TSC2). Identifiers: Orphanet 805, MedGen C1860707, MONDO:0013199, OMIM 613254.
Tuberous sclerosis syndrome (TSC). Also called: Tuberous Sclerosis Complex; Tuberous sclerosis. Identifiers: Orphanet 805, MedGen C0041341, MONDO:0001734.

Allele frequency attached by ClinVar (database versions not stated): gnomAD exomes below 0.00001; TOPMed below 0.00001.
gnomAD v4.1: 4 of 1,591,706 alleles (0.00025%); highest among the groups gnomAD compares: African/African-American, 0.0013%; no homozygotes.

Submissions (7):

Ambry Genetics
Classification: Uncertain significance for Hereditary cancer-predisposing syndrome. Last evaluated: 2026-09-10. Review status: criteria provided, single submitter. Criteria: Ambry Variant Classification Scheme 2023. Collection method: clinical testing. Allele origin: germline.
Comment: The c.278G>A (p.R93Q) alteration is located in exon 4 (coding exon 3) of the TSC2 gene. This alteration results from a G to A substitution at nucleotide position 278, causing the arginine (R) at amino acid position 93 to be replaced by a glutamine (Q). Based on data from gnomAD, the A allele has an overall frequency of <0.001% (1/209906) total alleles studied. The highest observed frequency was 0.003% (1/30724) of Latino alleles. Based on insufficient or conflicting evidence, the clinical significance of this alteration remains unclear.

Labcorp Genetics (formerly Invitae), Labcorp
Classification: Benign for Tuberous sclerosis 2. Last evaluated: 2025-11-10. Review status: criteria provided, single submitter. Criteria: Invitae Variant Classification Sherloc (09022015). Collection method: clinical testing. Allele origin: germline.

Baylor Genetics
Classification: Uncertain significance for Isolated focal cortical dysplasia type II. Last evaluated: 2023-10-23. Review status: criteria provided, single submitter. Criteria: ACMG Guidelines, 2015. Collection method: clinical testing. Allele origin: unknown.

All of Us Research Program, National Institutes of Health
Classification: Uncertain significance for Tuberous sclerosis syndrome. Last evaluated: 2023-10-02. Review status: criteria provided, single submitter. Criteria: ACMG Guidelines, 2015. Collection method: clinical testing. Allele origin: germline. Inheritance: Autosomal dominant inheritance. Observed: 3 variant alleles, 3 heterozygotes.
Comment: This missense variant replaces arginine with glutamine at codon 93 of the TSC2 protein. Computational prediction suggests that this variant may not impact protein structure and function (internally defined REVEL score threshold <= 0.5, PMID: 27666373). To our knowledge, functional studies have not been reported for this variant. This variant has not been reported in individuals affected with tuberous sclerosis complex in the literature. This variant has been identified in 1/209906 chromosomes in the general population by the Genome Aggregation Database (gnomAD). The available evidence is insufficient to determine the role of this variant in disease conclusively. Therefore, this variant is classified as a Variant of Uncertain Significance.

This study involves interpretation of variants in research participants for the purpose of population health screening. Participant phenotype was not available at the time of variant classification. Additional details can be found in publication PMID: 35346344, PMCID: PMC8962531

Color Diagnostics, LLC DBA Color Health
Classification: Uncertain significance for Tuberous sclerosis syndrome. Last evaluated: 2023-05-07. Review status: criteria provided, single submitter. Criteria: ACMG Guidelines, 2015. Collection method: clinical testing. Allele origin: germline.
Comment: This missense variant replaces arginine with glutamine at codon 93 of the TSC2 protein. Computational prediction suggests that this variant may not impact protein structure and function (internally defined REVEL score threshold <= 0.5, PMID: 27666373). To our knowledge, functional studies have not been reported for this variant. This variant has not been reported in individuals affected with TSC2-related disorders in the literature. This variant has been identified in 1/209906 chromosomes in the general population by the Genome Aggregation Database (gnomAD). The available evidence is insufficient to determine the role of this variant in disease conclusively. Therefore, this variant is classified as a Variant of Uncertain Significance.

Genome-Nilou Lab
Classification: Uncertain significance for Tuberous sclerosis 2. Last evaluated: 2021-11-07. Review status: criteria provided, single submitter. Criteria: ACMG Guidelines, 2015. Collection method: clinical testing. Allele origin: germline. Affected: no.

Division of Genomic Medicine, Department of Advanced Medicine, Medical Research Institute, Kanazawa Medical University
Classification: Uncertain significance for Tuberous sclerosis 2. Last evaluated: 2020-07-10. Review status: criteria provided, single submitter. Criteria: ACMG Guidelines, 2015. Collection method: clinical testing. Allele origin: germline. Affected: yes. Observed: 1 variant allele.